The following is an entry in ClinVar:

NC_000007.13:g.(?_97493753)_(97495499_?)del

Gene: ASNS (asparagine synthetase (glutamine-hydrolyzing); minus strand). Cytogenetic location: 7q21.3.
Variant type: Deletion.
Identifiers: ClinVar variation 3245931 (VCV003245931.1).

ClinVar aggregate classification (germline): Likely pathogenic (1 of 4 stars; one submission).

Submission:

Labcorp Genetics (formerly Invitae), Labcorp
Classification: Likely pathogenic. Last evaluated: 2023-05-02. Review status: criteria provided, single submitter. Criteria: Invitae Variant Classification Sherloc (09022015). Collection method: clinical testing. Allele origin: unknown.
Comment: In summary, the currently available evidence indicates that the variant is pathogenic, but additional data are needed to prove that conclusively. Therefore, this variant has been classified as Likely Pathogenic. Experimental studies and prediction algorithms are not available or were not evaluated, and the functional significance of this variant is currently unknown. This variant has not been reported in the literature in individuals affected with ASNS-related conditions. This variant results in the deletion of part of exon 4 (c.250-1691_305delinsTTGCAAAAAGTGGTG) of the ASNS gene. It is expected to disrupt RNA splicing. Variants that disrupt the donor or acceptor splice site typically lead to a loss of protein function (PMID: 16199547), and loss-of-function variants in ASNS are known to be pathogenic (PMID: 27422383, 30057589).

Literature cited by the submitters: PubMed 16199547; PubMed 27422383; PubMed 30057589.